The following is an entry in ClinVar:

NM_020376.4(PNPLA2):c.964C>T (p.Leu322Phe)

Gene: PNPLA2 (patatin like domain 2, triacylglycerol lipase; plus strand). Cytogenetic location: 11p15.5.
Variant type: single nucleotide variant.
Coding change: c.964C>T on transcript NM_020376.4 (MANE Select); coding-DNA position 964, C replaced by T.
Protein change: p.Leu322Phe; replaces leucine 322 with phenylalanine.
Molecular consequence: missense variant.
Genome position (GRCh38, 1-based): chr11:824,042, C>T. VCF-style: chr11-824042-C-T. GRCh37 (hg19) VCF-style: chr11-824042-C-T.
Other names: p.Leu322Phe; short protein forms L322F.
Identifiers: ClinVar variation 306305 (VCV000306305.29), dbSNP rs137866968, ClinGen allele CA5791260.

ClinVar aggregate classification (germline): Conflicting classifications of pathogenicity. Review status: criteria provided, conflicting classifications (1 of 4 stars). 7 submissions from 7 submitters: Uncertain significance (2); Likely benign (5). Last evaluated 2026-01-20.

Conditions:
Neutral lipid storage myopathy (NLSDM). Also called: NEUTRAL LIPID STORAGE DISEASE WITHOUT ICHTHYOSIS. Identifiers: Orphanet 98908, MedGen C1853136, MONDO:0012545, OMIM 610717.
PNPLA2-related disorder. Also called: PNPLA2-related condition.

Allele frequency attached by ClinVar (database versions not stated): 1000 Genomes Project 0.00060; 1000 Genomes Project 30x 0.00062; gnomAD 0.00073 and 0.00077; ESP Exome Variant Server 0.00077; gnomAD exomes 0.00082 and 0.00123; TOPMed 0.00082; ExAC 0.00098.
gnomAD v4.1: 1,917 of 1,610,926 alleles (0.12%); highest among the groups gnomAD compares: South Asian, 0.16%; 2 homozygotes.

Submissions (7):

Labcorp Genetics (formerly Invitae), Labcorp
Classification: Likely benign for Neutral lipid storage myopathy. Last evaluated: 2026-01-20. Review status: criteria provided, single submitter. Criteria: Invitae Variant Classification Sherloc (09022015). Collection method: clinical testing. Allele origin: germline.

CeGaT Center for Human Genetics Tuebingen
Classification: Likely benign. Last evaluated: 2025-12-01. Review status: criteria provided, single submitter. Criteria: CeGaT Center For Human Genetics Tuebingen Variant Classification Criteria Version 2. Collection method: clinical testing. Allele origin: germline. Affected: yes. Observed: 2 variant alleles.
Comment: PNPLA2: BP4

PreventionGenetics, part of Exact Sciences
Classification: Likely benign for PNPLA2-related condition. Last evaluated: 2025-07-28. Review status: criteria provided, single submitter. Criteria: ACMG Guidelines, 2015. Collection method: clinical testing. Allele origin: germline.
Comment: This variant is classified as likely benign based on ACMG/AMP sequence variant interpretation guidelines (Richards et al. 2015 PMID: 25741868, with internal and published modifications).

Mayo Clinic Laboratories, Mayo Clinic
Classification: Likely benign. Last evaluated: 2025-03-21. Review status: criteria provided, single submitter. Criteria: ACMG Guidelines, 2015. Collection method: clinical testing. Allele origin: germline. Observed: 1 variant allele.
Comment: BS1, BP4_moderate

Blueprint Genetics
Classification: Likely benign. Last evaluated: 2024-10-31. Review status: criteria provided, single submitter. Criteria: ACMG Guidelines, 2015. Collection method: clinical testing. Allele origin: germline.

GeneDx
Classification: Uncertain significance. Last evaluated: 2022-02-02. Review status: criteria provided, single submitter. Criteria: GeneDx Variant Classification Process June 2021. Collection method: clinical testing. Allele origin: germline. Affected: yes.
Comment: In silico analysis supports that this missense variant does not alter protein structure/function; Has not been previously published as pathogenic or benign to our knowledge

Illumina Laboratory Services, Illumina
Classification: Uncertain significance for Neutral lipid storage myopathy. Last evaluated: 2018-01-13. Review status: criteria provided, single submitter. Criteria: ICSL Variant Classification Criteria 13 December 2019. Collection method: clinical testing. Allele origin: germline.